The following is an entry in ClinVar:

ClinVar aggregate classification (germline): Uncertain significance (1 of 4 stars; one submission).

Conditions:
Aortic aneurysm, familial thoracic 7 (AAT7). Also called: AORTIC DISSECTION, FAMILIAL, WITH OR WITHOUT AORTIC ANEURYSM. Identifiers: MedGen C3151077, MONDO:0013418, OMIM 613780.

Submission:

Labcorp Genetics (formerly Invitae), Labcorp
Classification: Uncertain significance for Aortic aneurysm, familial thoracic 7. Last evaluated: 2025-10-14. Review status: criteria provided, single submitter. Criteria: Invitae Variant Classification Sherloc (09022015). Collection method: clinical testing. Allele origin: germline.
Comment: This sequence change replaces valine, which is neutral and non-polar, with aspartic acid, which is acidic and polar, at codon 1522 of the MYLK protein (p.Val1522Asp). This variant is not present in population databases (gnomAD no frequency). This variant has not been reported in the literature in individuals affected with MYLK-related conditions. Invitae Evidence Modeling of protein sequence and biophysical properties (such as structural, functional, and spatial information, amino acid conservation, physicochemical variation, residue mobility, and thermodynamic stability) has been performed for this missense variant. However, the output from this modeling did not meet the statistical confidence thresholds required to predict the impact of this variant on MYLK protein function. This variant disrupts the p.Val1522 amino acid residue in MYLK. Other variant(s) that disrupt this residue have been determined to be pathogenic (PMID: 29907982). This suggests that this residue is clinically significant, and that variants that disrupt this residue are likely to be disease-causing. In summary, the available evidence is currently insufficient to determine the role of this variant in disease. Therefore, it has been classified as a Variant of Uncertain Significance.

Literature cited by the submitters: PubMed 29907982.

NM_053025.4(MYLK):c.4565T>A (p.Val1522Asp)

Gene: MYLK (myosin light chain kinase; minus strand). Cytogenetic location: 3q21.1.
Variant type: single nucleotide variant.
Coding change: c.4565T>A on transcript NM_053025.4 (MANE Select); coding-DNA position 4565, T replaced by A.
Protein change: p.Val1522Asp; replaces valine 1522 with aspartic acid.
Molecular consequence: missense variant.
Genome position (GRCh38, 1-based): chr3:123,647,278, A>T on the plus strand (T>A on the coding strand, the complement: MYLK is on the minus strand). VCF-style: chr3-123647278-A-T. GRCh37 (hg19) VCF-style: chr3-123366125-A-T.
Other names: c.4037T>A, p.Val1346Asp (NM_001321309.2); c.4358T>A, p.Val1453Asp (NM_053026.4, NM_053028.4); c.4565T>A, p.Val1522Asp (NM_053027.4); short protein forms V1522D, V1453D, V1346D.
Identifiers: ClinVar variation 4743633 (VCV004743633.1).